The following is an entry in ClinVar:

NM_000127.3(EXT1):c.266dup (p.Asn89fs)

Gene: EXT1 (exostosin glycosyltransferase 1; minus strand). Cytogenetic location: 8q24.11.
Variant type: Duplication.
Coding change: c.266dup on transcript NM_000127.3 (MANE Select); coding-DNA position 266, one base duplicated (A; older notation c.266dupA).
Protein change: p.Asn89fs; shifts the reading frame from asparagine 89.
Molecular consequence: frameshift variant.
Genome position (GRCh38, 1-based): chr8:118,110,781, T duplicated on the plus strand (A on the coding strand, the reverse complement: EXT1 is on the minus strand); the first of 2 consecutive T bases (chr8:118,110,781-118,110,782); duplicating either gives the same sequence. VCF-style (leftmost placement, unchanged base first): chr8-118110780-G-GT. GRCh37 (hg19) VCF-style: chr8-119123019-G-GT.
Other names: short protein forms N89fs.
Identifiers: ClinVar variation 848257 (VCV000848257.7), dbSNP rs1817885411, ClinGen allele CA916081530.

ClinVar aggregate classification (germline): Pathogenic (1 of 4 stars; one submission).

Conditions:
Multiple congenital exostosis (EXT). Also called: MULTIPLE CARTILAGINOUS EXOSTOSES; Hereditary multiple exostoses; Hereditary multiple exostosis; Multiple osteochondromas; Hereditary multiple osteochondromas; Multiple exostoses. Identifiers: Orphanet 321, MedGen C0015306, MONDO:0005508, HP:0002762.

Submission:

Labcorp Genetics (formerly Invitae), Labcorp
Classification: Pathogenic for Multiple congenital exostosis. Last evaluated: 2019-04-25. Review status: criteria provided, single submitter. Criteria: Invitae Variant Classification Sherloc (09022015). Collection method: clinical testing. Allele origin: germline.
Comment: This sequence change creates a premature translational stop signal (p.Asn89Lysfs*100) in the EXT1 gene. It is expected to result in an absent or disrupted protein product. This variant is not present in population databases (ExAC no frequency). This variant has not been reported in the literature in individuals with EXT1-related conditions. Loss-of-function variants in EXT1 are known to be pathogenic (PMID: 10679937, 11391482, 19810120). For these reasons, this variant has been classified as Pathogenic.

Literature cited by the submitters: PubMed 10679937; PubMed 11391482; PubMed 19810120.